The following is an entry in ClinVar:

NM_000486.6(AQP2):c.782C>A (p.Ser261Ter)

Genes: AQP2 (aquaporin 2; plus strand), AQP5-AS1 (AQP5 and AQP2 antisense RNA 2; minus strand). Cytogenetic location: 12q13.12.
Variant type: single nucleotide variant.
Coding change: c.782C>A on transcript NM_000486.6 (MANE Select); coding-DNA position 782, C replaced by A.
Protein change: p.Ser261Ter; replaces serine 261 with a stop codon.
Molecular consequence: nonsense.
Genome position (GRCh38, 1-based): chr12:49,955,574, C>A. VCF-style: chr12-49955574-C-A. GRCh37 (hg19) VCF-style: chr12-50349357-C-A.
Other names: short protein forms S261*.
Identifiers: ClinVar variation 2811242 (VCV002811242.3), dbSNP rs376000406, ClinGen allele CA384776178.

ClinVar aggregate classification (germline): Pathogenic (1 of 4 stars; one submission).

Submission:

Labcorp Genetics (formerly Invitae), Labcorp
Classification: Pathogenic. Last evaluated: 2022-11-07. Review status: criteria provided, single submitter. Criteria: Invitae Variant Classification Sherloc (09022015). Collection method: clinical testing. Allele origin: germline.
Comment: This variant has not been reported in the literature in individuals affected with AQP2-related conditions. This variant is not present in population databases (gnomAD no frequency). This sequence change creates a premature translational stop signal (p.Ser261*) in the AQP2 gene. While this is not anticipated to result in nonsense mediated decay, it is expected to disrupt the last 11 amino acid(s) of the AQP2 protein. This variant disrupts a region of the AQP2 protein in which other variant(s) (p.Pro262Leu) have been determined to be pathogenic (PMID: 9550615, 15509592, 18431594, 22778181, 27641679). This suggests that this is a clinically significant region of the protein, and that variants that disrupt it are likely to be disease-causing. For these reasons, this variant has been classified as Pathogenic.

Literature cited by the submitters: PubMed 9550615; PubMed 15509592; PubMed 18431594; PubMed 22778181; PubMed 27641679.